The following is an entry in ClinVar:

ClinVar aggregate classification (germline): Uncertain significance (1 of 4 stars; one submission).

Conditions:
Capillary malformation-arteriovenous malformation 2 (CMAVM2). Identifiers: Orphanet 693912, MedGen C4748670, MONDO:0020785, OMIM 618196.

Submission:

SIB Swiss Institute of Bioinformatics
Classification: Uncertain significance for Capillary malformation-arteriovenous malformation 2. Last evaluated: 2019-03-29. Review status: criteria provided, single submitter. Criteria: ACMG Guidelines, 2015. Collection method: curation. Allele origin: unknown.
Comment: This variant is interpreted as Uncertain significance for Capillary malformation-arteriovenous malformation 2. The following ACMG Tag(s) were applied: PP3: Multiple lines of computational evidence support a deleterious effect on the gene or gene product. PM2: Absent from controls (or at extremely low frequency if recessive) in Exome Sequencing Project, 1000 Genomes Project, or Exome Aggregation Consortium. PM1: Located in a mutational hot spot and/or critical and well-established functional domain (e.g., active site of an enzyme) without benign variation.

Literature cited by the submitters: PubMed 29444212.

NM_004444.5(EPHB4):c.2609T>A (p.Val870Glu)

Genes: EPHB4 (EPH receptor B4; minus strand), LOC126860124 (CDK7 strongly-dependent group 2 enhancer GRCh37_chr7:100403701-100404900; plus strand). Cytogenetic location: 7q22.1.
Variant type: single nucleotide variant.
Coding change: c.2609T>A on transcript NM_004444.5 (MANE Select); coding-DNA position 2609, T replaced by A.
Protein change: p.Val870Glu; replaces valine 870 with glutamic acid.
Molecular consequence: missense variant.
Genome position (GRCh38, 1-based): chr7:100,805,570, A>T on the plus strand (T>A on the coding strand, the complement: EPHB4 is on the minus strand). VCF-style: chr7-100805570-A-T. GRCh37 (hg19) VCF-style: chr7-100403192-A-T.
Other names: short protein forms V870E.
Identifiers: ClinVar variation 691553 (VCV000691553.1), dbSNP rs1584652920, ClinGen allele CA368566905.